The following is an entry in ClinVar:

NM_000237.3(LPL):c.538del (p.Thr180fs)

Gene: LPL (lipoprotein lipase; plus strand). Cytogenetic location: 8p21.3.
Variant type: Deletion.
Coding change: c.538del on transcript NM_000237.3 (MANE Select); coding-DNA position 538, one base deleted (A; older notation c.538delA).
Protein change: p.Thr180fs; shifts the reading frame from threonine 180.
Molecular consequence: frameshift variant.
Genome position (GRCh38, 1-based): chr8:19,953,418, A deleted. VCF-style (leftmost placement, unchanged base first): chr8-19953417-TA-T. GRCh37 (hg19) VCF-style: chr8-19810928-TA-T.
Other names: short protein forms T180fs.
Identifiers: ClinVar variation 2849043 (VCV002849043.3), dbSNP rs2540104783, ClinGen allele CA2739279733.

ClinVar aggregate classification (germline): Pathogenic (1 of 4 stars; one submission).

Submission:

Labcorp Genetics (formerly Invitae), Labcorp
Classification: Pathogenic. Last evaluated: 2023-03-24. Review status: criteria provided, single submitter. Criteria: Invitae Variant Classification Sherloc (09022015). Collection method: clinical testing. Allele origin: germline.
Comment: This sequence change creates a premature translational stop signal (p.Thr180Leufs*27) in the LPL gene. It is expected to result in an absent or disrupted protein product. Loss-of-function variants in LPL are known to be pathogenic (PMID: 11334614). This variant is not present in population databases (gnomAD no frequency). This variant has not been reported in the literature in individuals affected with LPL-related conditions. For these reasons, this variant has been classified as Pathogenic.

Literature cited by the submitters: PubMed 11334614.